The following is an entry in ClinVar:

NM_004415.4(DSP):c.802C>T (p.His268Tyr)

Gene: DSP (desmoplakin; plus strand). Cytogenetic location: 6p24.3.
Variant type: single nucleotide variant.
Coding change: c.802C>T on transcript NM_004415.4 (MANE Select); coding-DNA position 802, C replaced by T.
Protein change: p.His268Tyr; replaces histidine 268 with tyrosine.
Molecular consequence: missense variant.
Genome position (GRCh38, 1-based): chr6:7,565,383, C>T. VCF-style: chr6-7565383-C-T. GRCh37 (hg19) VCF-style: chr6-7565616-C-T.
Other names: p.His268Tyr; c.802C>T, p.His268Tyr (NM_001008844.3, NM_001319034.2, NM_001406591.1); short protein forms H268Y.
Identifiers: ClinVar variation 4086548 (VCV004086548.3).
Genomic context (GRCh38, chr6:7,565,383, plus strand): 5'-TGTTATTTTAATGCTGCCTTTGAACCTCCTGTGCAGAAAGCGTCCTTTGAGAGGATGGAT[C>T]ACCTGCGACAGCTGCAGAACATCATTCAGGCCACGTCCAGGGAGATCATGTGGATCAATG-3'
Protein context (NP_004406.2, residues 258-278): LLKASFERMD[His268Tyr]LRQLQNIIQA

ClinVar aggregate classification (germline): Uncertain significance. Review status: criteria provided, multiple submitters, no conflicts (2 of 4 stars). 3 submissions from 3 submitters: Uncertain significance (3). Last evaluated 2025-09-24.

Conditions:
Arrhythmogenic right ventricular dysplasia 8 (ARVD8). Also called: Arrhythmogenic Right Ventricular Dysplasia/Cardiomyopathy 8; ARRHYTHMOGENIC RIGHT VENTRICULAR CARDIOMYOPATHY 8; ARRHYTHMOGENIC RIGHT VENTRICULAR DYSPLASIA, FAMILIAL, 8. Identifiers: MedGen C1843896, MONDO:0011831, OMIM 607450.
Arrhythmogenic cardiomyopathy with wooly hair and keratoderma. Also called: Carvajal syndrome; Arrhythmogenic cardiomyopathy with woolly hair and keratoderma; Dilated cardiomyopathy with woolly hair and keratoderma; PALMOPLANTAR KERATODERMA WITH LEFT VENTRICULAR CARDIOMYOPATHY AND WOOLLY HAIR. Identifiers: Orphanet 65282, MedGen C1854063, MONDO:0011581, OMIM 605676.

gnomAD v4.1: 1 of 1,614,088 alleles (0.000062%); highest among the groups gnomAD compares: Non-Finnish European, 0.000085%; no homozygotes.

Submissions (3):

Labcorp Genetics (formerly Invitae), Labcorp
Classification: Uncertain significance for Arrhythmogenic cardiomyopathy with wooly hair and keratoderma; Arrhythmogenic right ventricular dysplasia 8. Last evaluated: 2025-09-24. Review status: criteria provided, single submitter. Criteria: Invitae Variant Classification Sherloc (09022015). Collection method: clinical testing. Allele origin: germline.
Comment: This sequence change replaces histidine, which is basic and polar, with tyrosine, which is neutral and polar, at codon 268 of the DSP protein (p.His268Tyr). This variant is not present in population databases (gnomAD no frequency). This variant has not been reported in the literature in individuals affected with DSP-related conditions. An algorithm developed to predict the effect of missense changes on protein structure and function (PolyPhen-2) suggests that this variant is likely to be disruptive. In summary, the available evidence is currently insufficient to determine the role of this variant in disease. Therefore, it has been classified as a Variant of Uncertain Significance.

GeneDx
Classification: Uncertain significance. Last evaluated: 2025-03-17. Review status: criteria provided, single submitter. Criteria: GeneDx Variant Classification Process June 2021. Collection method: clinical testing. Allele origin: germline. Affected: yes.
Comment: Not observed at significant frequency in large population cohorts (gnomAD); In silico analysis supports that this missense variant has a deleterious effect on protein structure/function; Has not been previously published as pathogenic or benign to our knowledge

Mayo Clinic Laboratories, Mayo Clinic
Classification: Uncertain significance. Last evaluated: 2025-02-16. Review status: criteria provided, single submitter. Criteria: ACMG Guidelines, 2015. Collection method: clinical testing. Allele origin: germline. Observed: 1 variant allele.
Comment: PM2_supporting